The following is an entry in ClinVar:

ClinVar aggregate classification (germline): Likely benign. Review status: criteria provided, multiple submitters, no conflicts (2 of 4 stars). 2 submissions from 2 submitters: Likely benign (2). Last evaluated 2026-07-01.

Allele frequency attached by ClinVar (database versions not stated): gnomAD 0.00005; ExAC 0.00007; TOPMed 0.00008; gnomAD exomes 0.00009; 1000 Genomes Project 0.00020.

Submissions (2):

CeGaT Center for Human Genetics Tuebingen
Classification: Likely benign. Last evaluated: 2026-07-01. Review status: criteria provided, single submitter. Criteria: CeGaT Center For Human Genetics Tuebingen Variant Classification Criteria Version 2. Collection method: clinical testing. Allele origin: germline. Affected: yes. Observed: 2 variant alleles.
Comment: SON: BP4, BP7

Labcorp Genetics (formerly Invitae), Labcorp
Classification: Likely benign. Last evaluated: 2025-03-03. Review status: criteria provided, single submitter. Criteria: Invitae Variant Classification Sherloc (09022015). Collection method: clinical testing. Allele origin: germline.

NM_138927.4(SON):c.3282G>A (p.Ser1094=)

Gene: SON (SON DNA and RNA binding protein; plus strand). Cytogenetic location: 21q22.11.
Variant type: single nucleotide variant.
Coding change: c.3282G>A on transcript NM_138927.4 (MANE Select); coding-DNA position 3282, G replaced by A.
Protein change: p.Ser1094=; no amino-acid change (serine 1094 retained).
Molecular consequence: synonymous variant. On other transcripts: non-coding transcript variant (1), intron variant (1).
Genome position (GRCh38, 1-based): chr21:33,552,513, G>A. VCF-style: chr21-33552513-G-A. GRCh37 (hg19) VCF-style: chr21-34924819-G-A.
Other names: c.3282G>A, p.Ser1094= (NM_001291411.2, NM_032195.3); c.245-4643G>A (NM_001291412.3).
Identifiers: ClinVar variation 734365 (VCV000734365.10), dbSNP rs536204949, ClinGen allele CA10009252.
Genomic context (GRCh38, chr21:33,552,513, plus strand): 5'-GATGTCCCCAATGGCTGATCGATCTATGATGTCCATGGGTGCTGACCGGTCTATGATGTC[G>A]TCATACTCTGCTGCTGACCGGTCTATGATGTCATCGTACTCTGCAGCTGACCGATCTATG-3'
Protein context (NP_620305.3, residues 1084-1104): MSMGADRSMM[Ser1094=]SYSAADRSMM